The following is an entry in ClinVar:

ClinVar aggregate classification (germline): Uncertain significance. Review status: criteria provided, multiple submitters, no conflicts (2 of 4 stars). 2 submissions from 2 submitters: Uncertain significance (2). Last evaluated 2025-06-25.

Conditions:
TTN-related disorder. Also called: TTN-related condition; TTN-related disease; TTN-related disorders.

gnomAD v4.1: 22 of 1,613,660 alleles (0.0014%); highest among the groups gnomAD compares: Non-Finnish European, 0.0016%; no homozygotes.

Submissions (2):

PreventionGenetics, part of Exact Sciences
Classification: Uncertain significance for TTN-related condition. Last evaluated: 2025-06-25. Review status: criteria provided, single submitter. Criteria: ACMG Guidelines, 2015. Collection method: clinical testing. Allele origin: germline.
Comment: The TTN c.12626C>A variant is predicted to result in the amino acid substitution p.Pro4209His. To our knowledge, this variant has not been reported in the literature. This variant is reported in 0.0018% of alleles in individuals of European (Non-Finnish) descent in gnomAD. At this time, the clinical significance of this variant is uncertain due to the absence of conclusive functional and genetic evidence.

GeneDx
Classification: Uncertain significance. Last evaluated: 2024-11-05. Review status: criteria provided, single submitter. Criteria: GeneDx Variant Classification Process June 2021. Collection method: clinical testing. Allele origin: germline. Affected: yes.
Comment: Not observed at significant frequency in large population cohorts (gnomAD); Missense variant in a gene in which most reported pathogenic variants are truncating/loss of function; Has not been previously published as pathogenic or benign to our knowledge

NM_001267550.2(TTN):c.12626C>A (p.Pro4209His)

Gene: TTN (titin; minus strand). Cytogenetic location: 2q31.2.
Variant type: single nucleotide variant.
Coding change: c.12626C>A on transcript NM_001267550.2 (MANE Select); coding-DNA position 12626, C replaced by A.
Protein change: p.Pro4209His; replaces proline 4209 with histidine.
Molecular consequence: missense variant. On other transcripts: intron variant (1).
Genome position (GRCh38, 1-based): chr2:178,740,607, G>T on the plus strand (C>A on the coding strand, the complement: TTN is on the minus strand). VCF-style: chr2-178740607-G-T. GRCh37 (hg19) VCF-style: chr2-179605334-G-T.
Other names: c.11675C>A, p.Pro3892His (NM_001256850.1); c.11537C>A, p.Pro3846His (NM_003319.4); c.11912C>A, p.Pro3971His (NM_133432.3); c.12113C>A, p.Pro4038His (NM_133437.4); c.10361-2247C>A (NM_133378.4); short protein forms P3846H, P3892H, P3971H, P4038H, P4209H.
Identifiers: ClinVar variation 3897132 (VCV003897132.2).
Genomic context (GRCh38, chr2:178,740,607, plus strand): 5'-ACAGAGGTTAGATAAGAATGCATTGGAGGTTCTATTGAAGACTGTGGATAATTCCCTTCA[G>T]GTTCAGCTAATAAAGTTTTCAGAGGCTCAACTGTTAATGAATTAATTTGTTCTATGGACA-3'
Protein context (NP_001254479.2, residues 4199-4219): VEPLKTLLAE[Pro4209His]EGNYPQSSIE